The following is an entry in ClinVar:

ClinVar aggregate classification (germline): Uncertain significance (1 of 4 stars; one submission).

Conditions:
Fanconi anemia (FA). Also called: Fanconi's anemia. Identifiers: Orphanet 84, MedGen C0015625, MeSH D005199, MONDO:0019391.

Submission:

Labcorp Genetics (formerly Invitae), Labcorp
Classification: Uncertain significance for Fanconi anemia. Last evaluated: 2022-07-26. Review status: criteria provided, single submitter. Criteria: Invitae Variant Classification Sherloc (09022015). Collection method: clinical testing. Allele origin: germline.
Comment: In summary, the available evidence is currently insufficient to determine the role of this variant in disease. Therefore, it has been classified as a Variant of Uncertain Significance. Algorithms developed to predict the effect of missense changes on protein structure and function output the following: SIFT: "Tolerated"; PolyPhen-2: "Benign"; Align-GVGD: "Class C0". The threonine amino acid residue is found in multiple mammalian species, which suggests that this missense change does not adversely affect protein function. This variant has not been reported in the literature in individuals affected with FANCI-related conditions. This variant is not present in population databases (gnomAD no frequency). This sequence change replaces serine, which is neutral and polar, with threonine, which is neutral and polar, at codon 991 of the FANCI protein (p.Ser991Thr).

NM_001113378.2(FANCI):c.2972G>C (p.Ser991Thr)

Gene: FANCI (FA complementation group I; plus strand). Cytogenetic location: 15q26.1.
Variant type: single nucleotide variant.
Coding change: c.2972G>C on transcript NM_001113378.2 (MANE Select); coding-DNA position 2972, G replaced by C.
Protein change: p.Ser991Thr; replaces serine 991 with threonine.
Molecular consequence: missense variant.
Genome position (GRCh38, 1-based): chr15:89,301,408, G>C. VCF-style: chr15-89301408-G-C. GRCh37 (hg19) VCF-style: chr15-89844639-G-C.
Other names: c.2693G>C, p.Ser898Thr (NM_001376910.1); c.2972G>C, p.Ser991Thr (NM_001376911.1); c.2792G>C, p.Ser931Thr (NM_018193.3); short protein forms S898T, S991T, S931T.
Identifiers: ClinVar variation 2061818 (VCV002061818.4), dbSNP rs2507936393, ClinGen allele CA393737885.